The following is an entry in ClinVar:

NM_000071.3(CBS):c.1223+123dup

Gene: CBS (cystathionine beta-synthase; minus strand). Cytogenetic location: 21q22.3.
Variant type: Duplication.
Coding change: c.1223+123dup on transcript NM_000071.3 (MANE Select); 123 bases into the intron after coding-DNA position 1223, one base duplicated (C; older notation c.1223+123dupC).
Molecular consequence: intron variant.
Genome position (GRCh38, 1-based): chr21:43,059,103, G duplicated on the plus strand (C on the coding strand, the reverse complement: CBS is on the minus strand); the first of 4 consecutive G bases (chr21:43,059,103-43,059,106); duplicating any one gives the same sequence. VCF-style (leftmost placement, unchanged base first): chr21-43059102-C-CG. GRCh37 (hg19) VCF-style: chr21-44479212-C-CG.
Other names: c.1223+123dup (NM_001320298.2, NM_001178009.3, NM_001178008.3); c.908+123dup (NM_001321072.1).
Identifiers: ClinVar variation 4982827 (VCV004982827.1).

ClinVar aggregate classification (germline): Likely benign (1 of 4 stars; one submission).

Conditions:
CBS-related disorder. Also called: CBS-related condition.

Submission:

PreventionGenetics, part of Exact Sciences
Classification: Likely benign for CBS-related condition. Last evaluated: 2026-05-05. Review status: criteria provided, single submitter. Criteria: ACMG Guidelines, 2015. Collection method: clinical testing. Allele origin: germline.
Comment: This variant is classified as likely benign based on ACMG/AMP sequence variant interpretation guidelines (Richards et al. 2015 PMID: 25741868, with internal and published modifications).